The following is an entry in ClinVar:

NM_018896.5(CACNA1G):c.2709del (p.Lys904fs)

Gene: CACNA1G (calcium voltage-gated channel subunit alpha1 G; plus strand). Cytogenetic location: 17q21.33.
Variant type: Deletion.
Coding change: c.2709del on transcript NM_018896.5 (MANE Select); coding-DNA position 2709, one base deleted (G; older notation c.2709delG).
Protein change: p.Lys904fs; shifts the reading frame from lysine 904.
Molecular consequence: frameshift variant. On other transcripts: non-coding transcript variant (5).
Genome position (GRCh38, 1-based): chr17:50,591,808, G deleted; the last of 2 consecutive G bases (chr17:50,591,807-50,591,808); deleting either gives the same sequence. VCF-style (leftmost placement, unchanged base first): chr17-50591806-CG-C. GRCh37 (hg19) VCF-style: chr17-48669167-CG-C.
Other names: c.2709del, p.Lys904fs (NM_001256324.2, NM_001256325.2, NM_001256326.2 and 24 more transcripts); short protein forms K904fs.
Identifiers: ClinVar variation 1034951 (VCV001034951.6), dbSNP rs2044400593, ClinGen allele CA2264100189.

ClinVar aggregate classification (germline): Uncertain significance (1 of 4 stars; one submission).

Submission:

Labcorp Genetics (formerly Invitae), Labcorp
Classification: Uncertain significance. Last evaluated: 2020-04-01. Review status: criteria provided, single submitter. Criteria: Invitae Variant Classification Sherloc (09022015). Collection method: clinical testing. Allele origin: germline.
Comment: This sequence change creates a premature translational stop signal (p.Lys904Argfs*17) in the CACNA1G gene. It is expected to result in an absent or disrupted protein product. This variant is not present in population databases (ExAC no frequency). The current clinical and genetic evidence is not sufficient to establish whether loss-of-function variants in CACNA1G cause disease. In summary, the available evidence is currently insufficient to determine the role of this variant in disease. Therefore, it has been classified as a Variant of Uncertain Significance. This variant has not been reported in the literature in individuals with CACNA1G-related conditions.